The following is an entry in ClinVar:

NM_001608.4(ACADL):c.7G>T (p.Ala3Ser)

Gene: ACADL (acyl-CoA dehydrogenase long chain; minus strand). Cytogenetic location: 2q34.
Variant type: single nucleotide variant.
Coding change: c.7G>T on transcript NM_001608.4 (MANE Select); coding-DNA position 7, G replaced by T.
Protein change: p.Ala3Ser; replaces alanine 3 with serine.
Molecular consequence: missense variant.
Genome position (GRCh38, 1-based): chr2:210,225,257, C>A on the plus strand (G>T on the coding strand, the complement: ACADL is on the minus strand). VCF-style: chr2-210225257-C-A. GRCh37 (hg19) VCF-style: chr2-211089981-C-A.
Other names: short protein forms A3S.
Identifiers: ClinVar variation 3032185 (VCV003032185.2), dbSNP rs763274790, ClinGen allele CA2085150.

ClinVar aggregate classification (germline): Likely benign (0 of 4 stars; one submission).

Conditions:
ACADL-related disorder. Also called: ACADL-related condition.

Allele frequency attached by ClinVar (database versions not stated): gnomAD 0.00013; TOPMed 0.00021 and 0.00035; 1000 Genomes Project 30x 0.00031; ExAC 0.00071.

Submission:

PreventionGenetics, part of Exact Sciences
Classification: Likely benign for ACADL-related condition. Last evaluated: 2021-01-23. Review status: no assertion criteria provided. Collection method: clinical testing. Allele origin: germline.
Comment: This variant is classified as likely benign based on ACMG/AMP sequence variant interpretation guidelines (Richards et al. 2015 PMID: 25741868, with internal and published modifications).